The following is an entry in ClinVar:

ClinVar aggregate classification (germline): Uncertain significance (1 of 4 stars; one submission).

Conditions:
Autosomal recessive limb-girdle muscular dystrophy type 2D (LGMDR3). Also called: ADHALINOPATHY, PRIMARY; DUCHENNE-LIKE AUTOSOMAL RECESSIVE MUSCULAR DYSTROPHY, TYPE 2; MUSCULAR DYSTROPHY, LIMB-GIRDLE, AUTOSOMAL RECESSIVE 3. Identifiers: Orphanet 62, MedGen C2936332, MONDO:0011968, OMIM 608099. Disease mechanism: Affects gamma-sarcoglycan and also disrupts the integrity of the entire sarcoglycan complex..

Submission:

Labcorp Genetics (formerly Invitae), Labcorp
Classification: Uncertain significance for Autosomal recessive limb-girdle muscular dystrophy type 2D. Last evaluated: 2021-04-22. Review status: criteria provided, single submitter. Criteria: Invitae Variant Classification Sherloc (09022015). Collection method: clinical testing. Allele origin: germline.
Comment: This variant is not present in population databases (ExAC no frequency). This sequence change replaces glutamine with glutamic acid at codon 80 of the SGCA protein (p.Gln80Glu). The glutamine residue is highly conserved and there is a small physicochemical difference between glutamine and glutamic acid. This variant has not been reported in the literature in individuals with SGCA-related conditions. In summary, the available evidence is currently insufficient to determine the role of this variant in disease. Therefore, it has been classified as a Variant of Uncertain Significance. Advanced modeling of protein sequence and biophysical properties (such as structural, functional, and spatial information, amino acid conservation, physicochemical variation, residue mobility, and thermodynamic stability) performed at Invitae indicates that this missense variant is expected to disrupt SGCA protein function.

NM_000023.4(SGCA):c.238C>G (p.Gln80Glu)

Gene: SGCA (sarcoglycan alpha; plus strand). Cytogenetic location: 17q21.33.
Variant type: single nucleotide variant.
Coding change: c.238C>G on transcript NM_000023.4 (MANE Select); coding-DNA position 238, C replaced by G.
Protein change: p.Gln80Glu; replaces glutamine 80 with glutamic acid.
Molecular consequence: missense variant. On other transcripts: non-coding transcript variant (1).
Genome position (GRCh38, 1-based): chr17:50,167,662, C>G. VCF-style: chr17-50167662-C-G. GRCh37 (hg19) VCF-style: chr17-48245023-C-G.
Other names: c.238C>G, p.Gln80Glu (NM_001135697.3); short protein forms Q80E.
Identifiers: ClinVar variation 1347367 (VCV001347367.8), dbSNP rs2144494297, ClinGen allele CA400177572.